The following is an entry in ClinVar:

NM_002292.4(LAMB2):c.2883G>C (p.Thr961=)

Gene: LAMB2 (laminin subunit beta 2; minus strand). Cytogenetic location: 3p21.31.
Variant type: single nucleotide variant.
Coding change: c.2883G>C on transcript NM_002292.4 (MANE Select); coding-DNA position 2883, G replaced by C.
Protein change: p.Thr961=; no amino-acid change (threonine 961 retained).
Molecular consequence: synonymous variant.
Genome position (GRCh38, 1-based): chr3:49,125,007, C>G on the plus strand (G>C on the coding strand, the complement: LAMB2 is on the minus strand). VCF-style: chr3-49125007-C-G. GRCh37 (hg19) VCF-style: chr3-49162440-C-G.
Identifiers: ClinVar variation 1491068 (VCV001491068.6), dbSNP rs1205212867, ClinGen allele CA433833915.

ClinVar aggregate classification (germline): Uncertain significance (1 of 4 stars; one submission).

Conditions:
LAMB2-related infantile-onset nephrotic syndrome. Also called: NEPHROTIC SYNDROME, TYPE 5, WITHOUT OCULAR ABNORMALITIES; NEPHROTIC SYNDROME, TYPE 5, WITH OCULAR ABNORMALITIES; Nephrotic Syndrome, type 5. Identifiers: Orphanet 306507, MedGen C3280113, MONDO:0013621, OMIM 614199.
Pierson syndrome. Also called: MICROCORIA-CONGENITAL NEPHROTIC SYNDROME. Identifiers: Orphanet 2670, MedGen C1836876, MONDO:0012184, OMIM 609049.

Submission:

Labcorp Genetics (formerly Invitae), Labcorp
Classification: Uncertain significance for LAMB2-related infantile-onset nephrotic syndrome; Pierson syndrome. Last evaluated: 2021-11-26. Review status: criteria provided, single submitter. Criteria: Invitae Variant Classification Sherloc (09022015). Collection method: clinical testing. Allele origin: germline.
Comment: In summary, the available evidence is currently insufficient to determine the role of this variant in disease. Therefore, it has been classified as a Variant of Uncertain Significance. Algorithms developed to predict the effect of sequence changes on RNA splicing suggest that this variant is not likely to affect RNA splicing. This variant has not been reported in the literature in individuals affected with LAMB2-related conditions. This variant is not present in population databases (gnomAD no frequency). This sequence change affects codon 961 of the LAMB2 mRNA. It is a 'silent' change, meaning that it does not change the encoded amino acid sequence of the LAMB2 protein. It affects a nucleotide within the consensus splice site.